The following is an entry in ClinVar:

ClinVar aggregate classification (germline): Uncertain significance. Review status: criteria provided, multiple submitters, no conflicts (2 of 4 stars). 2 submissions from 2 submitters: Uncertain significance (2). Last evaluated 2022-11-18.

Conditions:
Inborn genetic diseases. Identifiers: MedGen C0950123, MeSH D030342.

Allele frequency attached by ClinVar (database versions not stated): gnomAD exomes below 0.00001; TOPMed 0.00001.

Submissions (2):

Ambry Genetics
Classification: Uncertain significance for Inborn genetic diseases. Last evaluated: 2022-11-18. Review status: criteria provided, single submitter. Criteria: Ambry Variant Classification Scheme 2023. Collection method: clinical testing. Allele origin: germline.

Labcorp Genetics (formerly Invitae), Labcorp
Classification: Uncertain significance. Last evaluated: 2022-01-26. Review status: criteria provided, single submitter. Criteria: Invitae Variant Classification Sherloc (09022015). Collection method: clinical testing. Allele origin: germline.
Comment: This sequence change replaces methionine, which is neutral and non-polar, with valine, which is neutral and non-polar, at codon 1020 of the MPDZ protein (p.Met1020Val). This variant is not present in population databases (gnomAD no frequency). This variant has not been reported in the literature in individuals affected with MPDZ-related conditions. Algorithms developed to predict the effect of missense changes on protein structure and function are either unavailable or do not agree on the potential impact of this missense change (SIFT: "Deleterious"; PolyPhen-2: "Probably Damaging"; Align-GVGD: "Class C15"). In summary, the available evidence is currently insufficient to determine the role of this variant in disease. Therefore, it has been classified as a Variant of Uncertain Significance.

NM_001378778.1(MPDZ):c.3058A>G (p.Met1020Val)

Gene: MPDZ (multiple PDZ domain crumbs cell polarity complex component; minus strand). Cytogenetic location: 9p23.
Variant type: single nucleotide variant.
Coding change: c.3058A>G on transcript NM_001378778.1 (MANE Select); coding-DNA position 3058, A replaced by G.
Protein change: p.Met1020Val; replaces methionine 1020 with valine.
Molecular consequence: missense variant.
Genome position (GRCh38, 1-based): chr9:13,168,562, T>C on the plus strand (A>G on the coding strand, the complement: MPDZ is on the minus strand). VCF-style: chr9-13168562-T-C. GRCh37 (hg19) VCF-style: chr9-13168561-T-C.
Other names: c.3058A>G, p.Met1020Val (NM_001261406.2, NM_001261407.2, NM_001330637.2 and 14 more transcripts); short protein forms M1020V.
Identifiers: ClinVar variation 1912075 (VCV001912075.3), dbSNP rs1465371171, ClinGen allele CA372933819.